The following is an entry in ClinVar:

NM_001009944.3(PKD1):c.10810G>A (p.Glu3604Lys)

Genes: PKD1 (polycystin 1, transient receptor potential channel interacting; minus strand), PKD1-AS1 (PKD1 antisense RNA 1; plus strand). Cytogenetic location: 16p13.3.
Variant type: single nucleotide variant.
Coding change: c.10810G>A on transcript NM_001009944.3 (MANE Select); coding-DNA position 10810, G replaced by A.
Protein change: p.Glu3604Lys; replaces glutamic acid 3604 with lysine.
Molecular consequence: missense variant.
Genome position (GRCh38, 1-based): chr16:2,093,822, C>T on the plus strand (G>A on the coding strand, the complement: PKD1 is on the minus strand). VCF-style: chr16-2093822-C-T. GRCh37 (hg19) VCF-style: chr16-2143823-C-T.
Other names: c.10807G>A, p.Glu3603Lys (NM_000296.4); short protein forms E3603K, E3604K.
Identifiers: ClinVar variation 975083 (VCV000975083.3), dbSNP rs2091722550, ClinGen allele CA394339649.

ClinVar aggregate classification (germline): Likely pathogenic (1 of 4 stars; one submission).

Conditions:
Polycystic kidney disease, adult type (PKD1). Also called: Polycystic Kidney Disease 1, Autosomal Dominant; Polycystic kidney disease 1; Polycystic kidney disease 1, severe; Polycystic Kidney, Autosomal Dominant; POLYCYSTIC KIDNEY DISEASE 1 WITH OR WITHOUT POLYCYSTIC LIVER DISEASE; POLYCYSTIC KIDNEY DISEASE, ADULT, TYPE I. Identifiers: MedGen C3149841, MONDO:0008263, OMIM 173900.

Submission:

Victorian Clinical Genetics Services, Murdoch Childrens Research Institute
Classification: Likely pathogenic for Polycystic kidney disease, adult type. Last evaluated: 2018-12-12. Review status: criteria provided, single submitter. Criteria: ACMG Guidelines, 2015. Collection method: clinical testing. Allele origin: unknown. Affected: yes.
Comment: A heterozygous missense variant, NM_001009944.2(PKD1):c.10810G>A, has been identified in exon 36 of 46 of the PKD1 gene. The variant is predicted to result in a minor amino acid change from glutamic acid to lysine at position 3604 of the protein (NP_001009944.2(PKD1):p.(Glu3604Lys)). The glutamic acid residue at this position has high conservation (100 vertebrates, UCSC), but is not located within a well established functional domain. In silico predictions for this variant are consistently pathogenic (Polyphen, SIFT, CADD, Mutation Taster). The variant is absent in population databases (gnomAD, dbSNP, 1000G) but has been previously described as pathogenic in one patient with polycystic kidney disease (Rossetti, S. et al. (2007)). Based on the information available at the time of curation, this variant has been classified as LIKELY PATHOGENIC.